The following is an entry in ClinVar:

ClinVar aggregate classification (germline): Benign/Likely benign. Review status: criteria provided, multiple submitters, no conflicts (2 of 4 stars). 3 submissions from 3 submitters: Benign (1); Likely benign (2). Last evaluated 2026-06-11.

Conditions:
Tumor predisposition syndrome 2 (TPDS2). Also called: MBD4-ASSOCIATED NEOPLASIA SYNDROME; MBD4-Related Tumor Predisposition Syndrome; MBD4-associated neoplasia syndrome (MANS). Identifiers: Orphanet 661526, MedGen C5774186, MONDO:0859267, OMIM 619975.
Inborn genetic diseases. Identifiers: MedGen C0950123, MeSH D030342.

Submissions (3):

Myriad Genetics, Inc.
Classification: Benign for Tumor predisposition syndrome 2. Last evaluated: 2026-06-11. Review status: criteria provided, single submitter. Criteria: Myriad Autosomal Dominant, Autosomal Recessive and X-Linked Classification Criteria (2023). Collection method: clinical testing. Allele origin: unknown.
Comment: This variant is considered benign. This variant is a silent/synonymous amino acid change and it is not expected to impact splicing.

Labcorp Genetics (formerly Invitae), Labcorp
Classification: Likely benign. Last evaluated: 2025-11-27. Review status: criteria provided, single submitter. Criteria: Invitae Variant Classification Sherloc (09022015). Collection method: clinical testing. Allele origin: germline.

Ambry Genetics
Classification: Likely benign for Inborn genetic diseases. Last evaluated: 2024-11-25. Review status: criteria provided, single submitter. Criteria: Ambry Variant Classification Scheme 2023. Collection method: clinical testing. Allele origin: germline.

NM_001276270.2(MBD4):c.573G>T (p.Pro191=)

Gene: MBD4 (methyl-CpG binding domain 4, DNA glycosylase; minus strand). Cytogenetic location: 3q21.3.
Variant type: single nucleotide variant.
Coding change: c.573G>T on transcript NM_001276270.2 (MANE Select); coding-DNA position 573, G replaced by T.
Protein change: p.Pro191=; no amino-acid change (proline 191 retained).
Molecular consequence: synonymous variant. On other transcripts: intron variant (1).
Genome position (GRCh38, 1-based): chr3:129,437,071, C>A on the plus strand (G>T on the coding strand, the complement: MBD4 is on the minus strand). VCF-style: chr3-129437071-C-A. GRCh37 (hg19) VCF-style: chr3-129155914-C-A.
Other names: c.573G>T, p.Pro191= (NM_001276271.2, NM_001276272.2, NM_003925.3); c.247+737G>T (NM_001276273.2).
Identifiers: ClinVar variation 3543774 (VCV003543774.4).